The following is an entry in ClinVar:

NM_001370100.5(ZMYND11):c.705_708del (p.Glu236fs)

Gene: ZMYND11 (zinc finger MYND-type containing 11; plus strand). Cytogenetic location: 10p15.3.
Variant type: Deletion.
Coding change: c.705_708del on transcript NM_001370100.5 (MANE Select); coding-DNA positions 705 to 708, 4 bases deleted (TGAG; older notation c.705_708delTGAG).
Protein change: p.Glu236fs; shifts the reading frame from glutamic acid 236.
Molecular consequence: frameshift variant. On other transcripts: intron variant (2).
Genome position (GRCh38, 1-based): chr10:240,063-240,066, TGAG deleted; deleting any 4 consecutive bases within chr10:240,061-240,066 gives the same sequence; the c. name uses the placement nearest the transcript's 3' end. VCF-style (leftmost placement, unchanged base first): chr10-240060-CAGTG-C. GRCh37 (hg19) VCF-style: chr10-286000-CAGTG-C.
Other names: c.705_708delTGAG, p.Glu236Lysfs (NM_001161482.1); c.543_546del, p.Glu182fs (NM_001202464.3, NM_001202467.1, NM_001370103.2 and 6 more transcripts); c.450_453del, p.Glu151fs (NM_001202465.3, NM_001370110.2); c.540_543del, p.Glu181fs (NM_001202466.3, NM_001370111.2); c.705_708del, p.Glu236fs (NM_001202468.1, NM_001370097.3, NM_001370098.2 and 6 more transcripts); c.654_657del, p.Glu219fs (NM_001330057.3, NM_001370112.2); c.612_615del, p.Glu205fs (NM_001370113.2, NM_001370114.2); c.702_705del, p.Glu235fs (NM_001370115.2, NM_212479.4); and 7 more; short protein forms E142fs, E151fs, E160fs, E181fs, E182fs, E196fs, E205fs, E214fs.
Identifiers: ClinVar variation 2663152 (VCV002663152.1), dbSNP rs2539849600, ClinGen allele CA2695199444.
Genomic context (GRCh38, chr10:240,060, plus strand): 5'-TTGAGTCTTGTATTTGCAGACTATTGCTTATAGGTAATATCTATTTTTAATTACAGCAGA[CAGTG>C]AGCAAGCTGACATTGCGAGGATGCTATATAAAGACACATGTCATGAGGTACTATTCATTG-3'

ClinVar aggregate classification (germline): Pathogenic (1 of 4 stars; one submission).

Submission:

GeneDx
Classification: Pathogenic. Last evaluated: 2023-05-04. Review status: criteria provided, single submitter. Criteria: GeneDx Variant Classification Process June 2021. Collection method: clinical testing. Allele origin: germline. Affected: yes.
Comment: Frameshift variant predicted to result in protein truncation or nonsense mediated decay in a gene for which loss of function is a known mechanism of disease; Not observed at significant frequency in large population cohorts (gnomAD); This variant is associated with the following publications: (PMID: 32097528)